The following is an entry in ClinVar:

ClinVar aggregate classification (germline): Uncertain significance (1 of 4 stars; one submission).

Submission:

GeneDx
Classification: Uncertain significance. Last evaluated: 2024-04-23. Review status: criteria provided, single submitter. Criteria: GeneDx Variant Classification Process June 2021. Collection method: clinical testing. Allele origin: germline. Affected: yes.
Comment: Not observed at significant frequency in large population cohorts (gnomAD); In-frame deletion of 1 amino acid in a non-repeat region; In silico analysis supports a deleterious effect on protein structure/function; Has not been previously published as pathogenic or benign to our knowledge

NM_032217.5(ANKRD17):c.5464_5466del (p.Ala1822del)

Gene: ANKRD17 (ankyrin repeat domain 17; minus strand). Cytogenetic location: 4q13.3.
Variant type: Deletion.
Coding change: c.5464_5466del on transcript NM_032217.5 (MANE Select); coding-DNA positions 5464 to 5466, 3 bases deleted (GCA; older notation c.5464_5466delGCA).
Protein change: p.Ala1822del; deletes alanine 1822.
Genome position (GRCh38, 1-based): chr4:73,092,162-73,092,164, TGC deleted on the plus strand (GCA on the coding strand, the reverse complement: ANKRD17 is on the minus strand); deleting any 3 consecutive bases within chr4:73,092,162-73,092,166 gives the same sequence; the c. name uses the placement nearest the transcript's 3' end. VCF-style (leftmost placement, unchanged base first): chr4-73092161-GTGC-G. GRCh37 (hg19) VCF-style: chr4-73957878-GTGC-G.
Other names: c.5125_5127del, p.Ala1709del (NM_001286771.3); c.5461_5463del, p.Ala1821del (NM_015574.2); c.4711_4713del, p.Ala1571del (NM_198889.3); short protein forms A1571del, A1709del, A1821del, A1822del.
Identifiers: ClinVar variation 3372933 (VCV003372933.1).
Genomic context (GRCh38, chr4:73,092,161, plus strand): 5'-ACAGAGCTACAGTTGTCATTTTAATTCCCATTAAGGAAGTGTTAGCAGCAGTGGTGGTAG[GTGC>G]TGATGACCCTATTTTGGAATTTGCTGAGGAGCTTTTCAAACGATTCTTTGGAATAAGTTC-3'